The following is an entry in ClinVar:

ClinVar aggregate classification (germline): Uncertain significance. Review status: criteria provided, multiple submitters, no conflicts (2 of 4 stars). 2 submissions from 2 submitters: Uncertain significance (2). Last evaluated 2023-09-27.

Conditions:
Brugada syndrome 4 (BRGDA4). Identifiers: Orphanet 130, MedGen C2678477, MONDO:0012743, OMIM 611876.
Cardiovascular phenotype. Identifiers: MedGen CN230736.

gnomAD v4.1: 6 of 1,532,878 alleles (0.00039%); highest among the groups gnomAD compares: Admixed American, 0.01%; no homozygotes.

Submissions (2):

Labcorp Genetics (formerly Invitae), Labcorp
Classification: Uncertain significance for Brugada syndrome 4. Last evaluated: 2023-09-27. Review status: criteria provided, single submitter. Criteria: Invitae Variant Classification Sherloc (09022015). Collection method: clinical testing. Allele origin: germline.
Comment: This variant is present in population databases (rs148414498, gnomAD 0.01%). Advanced modeling of protein sequence and biophysical properties (such as structural, functional, and spatial information, amino acid conservation, physicochemical variation, residue mobility, and thermodynamic stability) performed at Invitae indicates that this missense variant is expected to disrupt CACNB2 protein function. ClinVar contains an entry for this variant (Variation ID: 1026738). This variant has not been reported in the literature in individuals affected with CACNB2-related conditions. This sequence change replaces glutamine, which is neutral and polar, with histidine, which is basic and polar, at codon 377 of the CACNB2 protein (p.Gln377His). In summary, the available evidence is currently insufficient to determine the role of this variant in disease. Therefore, it has been classified as a Variant of Uncertain Significance.

Ambry Genetics
Classification: Uncertain significance for Cardiovascular phenotype. Last evaluated: 2021-03-09. Review status: criteria provided, single submitter. Criteria: Ambry Variant Classification Scheme 2023. Collection method: clinical testing. Allele origin: germline.
Comment: The p.Q377H variant (also known as c.1131G>C), located in coding exon 11 of the CACNB2 gene, results from a G to C substitution at nucleotide position 1131. The glutamine at codon 377 is replaced by histidine, an amino acid with highly similar properties. This amino acid position is highly conserved in available vertebrate species. In addition, this alteration is predicted to be deleterious by in silico analysis. Since supporting evidence is limited at this time, the clinical significance of this alteration remains unclear.

NM_201596.3(CACNB2):c.1293G>C (p.Gln431His)

Gene: CACNB2 (calcium voltage-gated channel auxiliary subunit beta 2; plus strand). Cytogenetic location: 10p12.31.
Variant type: single nucleotide variant.
Coding change: c.1293G>C on transcript NM_201596.3 (MANE Select); coding-DNA position 1293, G replaced by C.
Protein change: p.Gln431His; replaces glutamine 431 with histidine.
Molecular consequence: missense variant.
Genome position (GRCh38, 1-based): chr10:18,536,187, G>C. VCF-style: chr10-18536187-G-C. GRCh37 (hg19) VCF-style: chr10-18825116-G-C.
Other names: c.1128G>C, p.Gln376His (NM_000724.4); c.1095G>C, p.Gln365His (NM_001167945.2); c.1014G>C, p.Gln338His (NM_001330060.2); c.1149G>C, p.Gln383His (NM_201570.3); c.1209G>C, p.Gln403His (NM_201571.4); c.1137G>C, p.Gln379His (NM_201572.4); c.1131G>C, p.Gln377His (NM_201590.3); c.1179G>C, p.Gln393His (NM_201593.3); and 1 more; short protein forms Q338H, Q365H, Q376H, Q377H, Q379H, Q383H, Q393H, Q403H.
Identifiers: ClinVar variation 1026738 (VCV001026738.10), dbSNP rs148414498, ClinGen allele CA5429964.